The following is an entry in ClinVar:

NM_015375.3(DSTYK):c.1325-27A>T

Gene: DSTYK (dual serine/threonine and tyrosine protein kinase; minus strand). Cytogenetic location: 1q32.1.
Variant type: single nucleotide variant.
Coding change: c.1325-27A>T on transcript NM_015375.3 (MANE Select); 27 bases into the intron before coding-DNA position 1325, A replaced by T.
Molecular consequence: intron variant.
Genome position (GRCh38, 1-based): chr1:205,163,982, T>A on the plus strand (A>T on the coding strand, the complement: DSTYK is on the minus strand). VCF-style: chr1-205163982-T-A. GRCh37 (hg19) VCF-style: chr1-205133110-T-A.
Other names: c.1325-27A>T (NM_199462.3).
Identifiers: ClinVar variation 5005602 (VCV005005602.2).

ClinVar aggregate classification (germline): Uncertain significance (1 of 4 stars; one submission).

Conditions:
Congenital anomalies of kidney and urinary tract 1. Also called: Renal hypodysplasia, nonsyndromic, 1; Congenital anomalies of kidney and urinary tract 1, susceptibility to. Identifiers: MedGen C1835826, MONDO:0012561, OMIM 610805.
Hereditary spastic paraplegia 23. Also called: SPASTIC PARAPARESIS, VITILIGO, PREMATURE GRAYING, CHARACTERISTIC FACIES; SPASTIC PARAPLEGIA WITH PIGMENTARY ABNORMALITIES; LISON SYNDROME. Identifiers: Orphanet 101003, MedGen C0796019, MONDO:0010046, OMIM 270750.

gnomAD v4.1: 3 of 1,595,028 alleles (0.00019%); highest among the groups gnomAD compares: East Asian, 0.0067%; no homozygotes.

Submission:

Juno Genomics, Hangzhou Juno Genomics, Inc
Classification: Uncertain significance for Hereditary spastic paraplegia 23; Congenital anomalies of kidney and urinary tract 1. Review status: criteria provided, single submitter. Criteria: ACMG Guidelines, 2015. Collection method: clinical testing. Allele origin: germline.
Comment: Absent from controls (or at extremely low frequency if recessive) in Genome Aggregation Database.;Multiple lines of computational evidence support a deleterious effect on the gene or gene product.